The following is an entry in ClinVar:

NM_001377.3(DYNC2H1):c.6130G>A (p.Glu2044Lys)

Gene: DYNC2H1 (dynein cytoplasmic 2 heavy chain 1; plus strand). Cytogenetic location: 11q22.3.
Variant type: single nucleotide variant.
Coding change: c.6130G>A on transcript NM_001377.3 (MANE Select); coding-DNA position 6130, G replaced by A.
Protein change: p.Glu2044Lys; replaces glutamic acid 2044 with lysine.
Molecular consequence: missense variant.
Genome position (GRCh38, 1-based): chr11:103,177,811, G>A. VCF-style: chr11-103177811-G-A. GRCh37 (hg19) VCF-style: chr11-103048540-G-A.
Other names: c.6130G>A, p.Glu2044Lys (NM_001080463.2); short protein forms E2044K.
Identifiers: ClinVar variation 4855914 (VCV004855914.1).

ClinVar aggregate classification (germline): Uncertain significance (1 of 4 stars; one submission).

Conditions:
Asphyxiating thoracic dystrophy 3. Also called: SHORT-RIB THORACIC DYSPLASIA 3/6 WITH POLYDACTYLY, DIGENIC; SHORT-RIB THORACIC DYSPLASIA 3 WITH OR WITHOUT POLYDACTYLY; POLYDACTYLY WITH NEONATAL CHONDRODYSTROPHY, TYPE I; Short rib polydactyly syndrome 2B; Saldino-Noonan Syndrome. Identifiers: Orphanet 474, Orphanet 93269, Orphanet 93270, Orphanet 93271, MedGen C0036069, MONDO:0013127, OMIM 613091.

Submission:

3billion
Classification: Uncertain significance for Asphyxiating thoracic dystrophy 3. Last evaluated: 2025-06-27. Review status: criteria provided, single submitter. Criteria: ACMG Guidelines, 2015. Collection method: clinical testing. Allele origin: germline. Affected: yes.
Comment: The variant is not observed in the gnomAD v4.1.0 dataset. Predicted Consequence/Location: Missense variant. The majority of the known disease-causing variants of this gene are variants expected to result in premature termination of the protein. Therefore, this variant is classified as VUS according to the recommendation of ACMG/AMP guideline.